The following is an entry in ClinVar:

ClinVar aggregate classification (germline): Uncertain significance (1 of 4 stars; one submission).

gnomAD v4.1: 14 of 1,611,456 alleles (0.00087%); highest among the groups gnomAD compares: Non-Finnish European, 0.00068%; no homozygotes.

Submission:

Labcorp Genetics (formerly Invitae), Labcorp
Classification: Uncertain significance. Last evaluated: 2022-03-13. Review status: criteria provided, single submitter. Criteria: Invitae Variant Classification Sherloc (09022015). Collection method: clinical testing. Allele origin: germline.
Comment: In summary, the available evidence is currently insufficient to determine the role of this variant in disease. Therefore, it has been classified as a Variant of Uncertain Significance. Algorithms developed to predict the effect of missense changes on protein structure and function (SIFT, PolyPhen-2, Align-GVGD) all suggest that this variant is likely to be tolerated. This variant has not been reported in the literature in individuals affected with DOCK6-related conditions. This variant is not present in population databases (gnomAD no frequency). This sequence change replaces alanine, which is neutral and non-polar, with glutamic acid, which is acidic and polar, at codon 1702 of the DOCK6 protein (p.Ala1702Glu).

NM_020812.4(DOCK6):c.5105C>A (p.Ala1702Glu)

Genes: DOCK6 (dedicator of cytokinesis 6; minus strand), DOCK6-AS1 (DOCK6 antisense RNA 1; plus strand). Cytogenetic location: 19p13.2.
Variant type: single nucleotide variant.
Coding change: c.5105C>A on transcript NM_020812.4 (MANE Select); coding-DNA position 5105, C replaced by A.
Protein change: p.Ala1702Glu; replaces alanine 1702 with glutamic acid.
Molecular consequence: missense variant.
Genome position (GRCh38, 1-based): chr19:11,204,315, G>T on the plus strand (C>A on the coding strand, the complement: DOCK6 is on the minus strand). VCF-style: chr19-11204315-G-T. GRCh37 (hg19) VCF-style: chr19-11314991-G-T.
Other names: c.5210C>A, p.Ala1737Glu (NM_001367830.1); short protein forms A1702E, A1737E.
Identifiers: ClinVar variation 1961315 (VCV001961315.3), dbSNP rs775176428, ClinGen allele CA9206620.